The following is an entry in ClinVar:

ClinVar aggregate classification (germline): Benign/Likely benign. Review status: criteria provided, multiple submitters, no conflicts (2 of 4 stars). 4 submissions from 4 submitters: Benign (2); Likely benign (2). Last evaluated 2026-09-01.

Conditions:
C1S-related disorder. Also called: C1S-related condition.

Submissions (5):

CeGaT Center for Human Genetics Tuebingen
Classification: Likely benign. Last evaluated: 2026-09-01. Review status: criteria provided, single submitter. Criteria: CeGaT Center For Human Genetics Tuebingen Variant Classification Criteria Version 2. Collection method: clinical testing. Allele origin: germline. Affected: yes. Observed: 21 variant alleles.
Comment: C1S: BS2

PreventionGenetics, part of Exact Sciences
Classification: Likely benign for C1S-related condition. Last evaluated: 2026-08-20. Review status: criteria provided, single submitter. Criteria: ACMG Guidelines, 2015. Collection method: clinical testing. Allele origin: germline.
Comment: This variant is classified as likely benign based on ACMG/AMP sequence variant interpretation guidelines (Richards et al. 2015 PMID: 25741868, with internal and published modifications).

Women's Health and Genetics/Laboratory Corporation of America, LabCorp
Classification: Benign. Last evaluated: 2026-04-01. Review status: criteria provided, single submitter. Criteria: LabCorp Variant Classification Summary - May 2015. Collection method: clinical testing. Allele origin: germline.
Comment: Variant summary: C1S c.518-13_518-6delTTTTCTCT alters a nucleotide located at a position not widely known to affect splicing. Consensus agreement among computation tools predict no significant impact on normal splicing. However, these predictions have yet to be confirmed by functional studies. The variant allele was found at a frequency of 0.004 in 251172 control chromosomes in the gnomAD database, including 4 homozygotes. The observed variant frequency exceeds the estimated maximal expected allele frequency for disease-causing variants in C1S. To our knowledge, no occurrence of c.518-13_518-6delTTTTCTCT in individuals affected with C1S-related conditions and no experimental evidence demonstrating its impact on protein function have been reported. ClinVar contains an entry for this variant (Variation ID: 1168609). Based on the evidence outlined above, the variant was classified as benign.

Labcorp Genetics (formerly Invitae), Labcorp
Classification: Benign. Last evaluated: 2026-02-03. Review status: criteria provided, single submitter. Criteria: Invitae Variant Classification Sherloc (09022015). Collection method: clinical testing. Allele origin: germline.

Dr. Peter K. Rogan Lab, Western University
No classification provided (evidence only). Condition: Nonpapillary renal cell carcinoma. Review status: no classification provided. Collection method: in vitro. Allele origin: not applicable. Functional consequence: retained intron. Not counted in ClinVar's aggregate classification.

NM_001734.5(C1S):c.518-13_518-6del

Gene: C1S (complement C1s; plus strand). Cytogenetic location: 12p13.31.
Variant type: Deletion.
Coding change: c.518-13_518-6del on transcript NM_001734.5 (MANE Select); 13 bases into the intron before coding-DNA position 518 through 6 bases into the intron before coding-DNA position 518, 8 bases deleted (TTTTCTCT; older notation c.518-13_518-6delTTTTCTCT).
Molecular consequence: intron variant.
Genome position (GRCh38, 1-based): chr12:7,065,087-7,065,094, TTTTCTCT deleted; deleting any 8 consecutive bases within chr12:7,065,080-7,065,094 gives the same sequence; the c. name uses the placement nearest the transcript's 3' end. VCF-style (leftmost placement, unchanged base first): chr12-7065079-CTTTCTCTT-C. GRCh37 (hg19) VCF-style: chr12-7172383-CTTTCTCTT-C.
Other names: NC_000012.11:g.7172391_7172398del; c.518-13_518-6delTTTTCTCT (NM_001734.5); c.518-13_518-6del8 (NM_201442.3); c.518-13_518-6del (NM_201442.4); c.17-13_17-6del (NM_001346850.2).
Identifiers: ClinVar variation 1168609 (VCV001168609.27), dbSNP rs773205021, ClinGen allele CA6423485.